The following is an entry in ClinVar:

ClinVar aggregate classification (germline): Uncertain significance. Review status: criteria provided, multiple submitters, no conflicts (2 of 4 stars). 4 submissions from 4 submitters: Uncertain significance (3). 1 of the submissions does not count toward it. Last evaluated 2025-06-25.

Conditions:
Marfan syndrome (MFS). Also called: MARFAN SYNDROME, TYPE I; FBN1-Related Marfan Syndrome; Marfan syndrome, classic; Marfan syndrome type 1; Marfan's syndrome. Identifiers: Orphanet 284963, Orphanet 558, MedGen C0024796, MONDO:0007947, OMIM 154700.
Familial thoracic aortic aneurysm and aortic dissection (TAAD). Also called: Thoracic aortic aneurysms and dissections. Identifiers: Orphanet 91387, MedGen C4707243, MONDO:0019625.

Submissions (4):

Labcorp Genetics (formerly Invitae), Labcorp
Classification: Uncertain significance for Marfan syndrome; Familial thoracic aortic aneurysm and aortic dissection. Last evaluated: 2025-06-25. Review status: criteria provided, single submitter. Criteria: Invitae Variant Classification Sherloc (09022015). Collection method: clinical testing. Allele origin: germline.
Comment: This sequence change falls in intron 63 of the FBN1 gene. It does not directly change the encoded amino acid sequence of the FBN1 protein. It affects a nucleotide within the consensus splice site. This variant is not present in population databases (gnomAD no frequency). This variant has been observed in individual(s) with clinical features of Marfan syndrome (internal data). ClinVar contains an entry for this variant (Variation ID: 200121). Variants that disrupt the consensus splice site are a relatively common cause of aberrant splicing (PMID: 17576681, 9536098). Algorithms developed to predict the effect of sequence changes on RNA splicing suggest that this variant may disrupt the consensus splice site. In summary, the available evidence is currently insufficient to determine the role of this variant in disease. Therefore, it has been classified as a Variant of Uncertain Significance.

3billion
Classification: Uncertain significance for Marfan syndrome. Last evaluated: 2025-02-11. Review status: criteria provided, single submitter. Criteria: ACMG Guidelines, 2015. Collection method: clinical testing. Allele origin: germline. Affected: yes.
Comment: The variant is not observed in the gnomAD v4.1.0 dataset. Predicted Consequence/Location: Intron variant In silico tools predict the variant to alter splicing and produce an abnormal transcript [SpliceAI: 0.90 (>=0.2, moderate evidence for spliceogenicity)]. The variant has been reported as of uncertain significance (ClinVar ID: VCV000200121). Therefore, this variant is classified as VUS according to the recommendation of ACMG/AMP guideline.

GeneDx
Classification: Uncertain significance. Last evaluated: 2021-03-16. Review status: criteria provided, single submitter. Criteria: GeneDx Variant Classification Process June 2021. Collection method: clinical testing. Allele origin: germline. Affected: yes.
Comment: Not observed in large population cohorts (Lek et al., 2016); In-silico analysis, which includes splice predictors and evolutionary conservation, is inconclusive as to whether the variant alters gene splicing. In the absence of RNA/functional studies, the actual effect of this sequence change is unknown.; Reported in ClinVar as a variant of uncertain significance (ClinVar Variant ID# 200121; Landrum et al., 2016)

Center for Medical Genetics Ghent, University of Ghent
Classification: Uncertain significance for Marfan syndrome. Last evaluated: 2017-11-07. Review status: no assertion criteria provided. Collection method: clinical testing. Allele origin: de novo. Affected: yes. Not counted in ClinVar's aggregate classification.

Literature cited by the submitters: PubMed 17576681 (cited by Labcorp Genetics (formerly Invitae), Labcorp); PubMed 9536098 (cited by Labcorp Genetics (formerly Invitae), Labcorp).

NM_000138.5(FBN1):c.7819+4A>G

Gene: FBN1 (fibrillin 1; minus strand). Cytogenetic location: 15q21.1.
Variant type: single nucleotide variant.
Coding change: c.7819+4A>G on transcript NM_000138.5 (MANE Select); 4 bases into the intron after coding-DNA position 7819, A replaced by G.
Molecular consequence: intron variant.
Genome position (GRCh38, 1-based): chr15:48,420,683, T>C on the plus strand (A>G on the coding strand, the complement: FBN1 is on the minus strand). VCF-style: chr15-48420683-T-C. GRCh37 (hg19) VCF-style: chr15-48712880-T-C.
Identifiers: ClinVar variation 200121 (VCV000200121.10), dbSNP rs794728278, ClinGen allele CA017380.
Genomic context (GRCh38, chr15:48,420,683, plus strand): 5'-AGCAGTGTTTTGCTTCATAGGACCTGATAGCCATGCATCTTGAGAGTGAGGAAAAGTTAC[T>C]TGCCAACACACTGGTTCCACTGGTAGTGCTGGAGGTAGCCCTGGGGGCAGCTGCACCTGT-3'